The following is an entry in ClinVar:

ClinVar aggregate classification (germline): Likely benign (1 of 4 stars; one submission).

Allele frequency attached by ClinVar (database versions not stated): 1000 Genomes Project 0.00060; 1000 Genomes Project 30x 0.00078; TOPMed 0.00198; gnomAD 0.00207; ESP Exome Variant Server 0.00231.
gnomAD v4.1: 3,658 of 1,612,638 alleles (0.23%); highest among the groups gnomAD compares: Middle Eastern, 1.2%; 28 homozygotes.

Submission:

CeGaT Center for Human Genetics Tuebingen
Classification: Likely benign. Last evaluated: 2026-08-01. Review status: criteria provided, single submitter. Criteria: CeGaT Center For Human Genetics Tuebingen Variant Classification Criteria Version 2. Collection method: clinical testing. Allele origin: germline. Affected: yes. Observed: 5 variant alleles.
Comment: DNAH3: BP4, BS2

NM_001347886.2(DNAH3):c.1743G>T (p.Lys581Asn)

Gene: DNAH3 (dynein axonemal heavy chain 3; minus strand). Cytogenetic location: 16p12.3.
Variant type: single nucleotide variant.
Coding change: c.1743G>T on transcript NM_001347886.2 (MANE Select); coding-DNA position 1743, G replaced by T.
Protein change: p.Lys581Asn; replaces lysine 581 with asparagine.
Molecular consequence: missense variant.
Genome position (GRCh38, 1-based): chr16:21,111,802, C>A on the plus strand (G>T on the coding strand, the complement: DNAH3 is on the minus strand). VCF-style: chr16-21111802-C-A. GRCh37 (hg19) VCF-style: chr16-21123123-C-A.
Other names: c.1743G>T, p.Lys581Asn (NM_001394581.1); c.1923G>T, p.Lys641Asn (NM_017539.2); short protein forms K581N, K641N.
Identifiers: ClinVar variation 2646302 (VCV002646302.24), dbSNP rs146094160, ClinGen allele CA7948597.